The following is an entry in ClinVar:

ClinVar aggregate classification (germline): Uncertain significance. Review status: criteria provided, multiple submitters, no conflicts (2 of 4 stars). 3 submissions from 3 submitters: Uncertain significance (3). Last evaluated 2025-04-14.

Conditions:
Cystic fibrosis (CF). Also called: MUCOVISCIDOSIS. Identifiers: Orphanet 586, MedGen C0010674, MONDO:0009061, OMIM 219700. Disease mechanism: loss of function.

Allele frequency attached by ClinVar (database versions not stated): gnomAD exomes 0.00001; ExAC 0.00003; TOPMed 0.00001.

Submissions (3):

Quest Diagnostics Nichols Institute San Juan Capistrano
Classification: Uncertain significance. Last evaluated: 2025-04-14. Review status: criteria provided, single submitter. Criteria: Quest Diagnostics criteria. Collection method: clinical testing. Allele origin: unknown.
Comment: The CFTR c.860A>G (p.Asn287Ser) variant has not been reported in individuals with CFTR-related conditions in the published literature. The frequency of this variant in the general population (Genome Aggregation Database) is uninformative in the assessment of its pathogenicity. Analysis of this variant using bioinformatics tools for the prediction of the effect of amino acid changes on protein structure and function yielded predictions that this variant is benign. Based on the available information, we are unable to determine the clinical significance of this variant.

Ambry Genetics
Classification: Uncertain significance for Cystic fibrosis. Last evaluated: 2025-02-12. Review status: criteria provided, single submitter. Criteria: Ambry Variant Classification Scheme 2023. Collection method: clinical testing. Allele origin: germline.
Comment: The p.N287S variant (also known as c.860A>G), located in coding exon 7 of the CFTR gene, results from an A to G substitution at nucleotide position 860. The asparagine at codon 287 is replaced by serine, an amino acid with highly similar properties. This amino acid position is conserved. In addition, this alteration is predicted to be tolerated by in silico analysis. Since supporting evidence is limited at this time, the clinical significance of this alteration remains unclear.

Labcorp Genetics (formerly Invitae), Labcorp
Classification: Uncertain significance for Cystic fibrosis. Last evaluated: 2024-05-07. Review status: criteria provided, single submitter. Criteria: Invitae Variant Classification Sherloc (09022015). Collection method: clinical testing. Allele origin: germline.
Comment: This sequence change replaces asparagine, which is neutral and polar, with serine, which is neutral and polar, at codon 287 of the CFTR protein (p.Asn287Ser). This variant is present in population databases (rs775048504, gnomAD 0.01%). This variant has not been reported in the literature in individuals affected with CFTR-related conditions. ClinVar contains an entry for this variant (Variation ID: 1975732). Advanced modeling of protein sequence and biophysical properties (such as structural, functional, and spatial information, amino acid conservation, physicochemical variation, residue mobility, and thermodynamic stability) performed at Invitae indicates that this missense variant is not expected to disrupt CFTR protein function with a negative predictive value of 80%. In summary, the available evidence is currently insufficient to determine the role of this variant in disease. Therefore, it has been classified as a Variant of Uncertain Significance.

NM_000492.4(CFTR):c.860A>G (p.Asn287Ser)

Gene: CFTR (CF transmembrane conductance regulator; plus strand). Cytogenetic location: 7q31.2.
Variant type: single nucleotide variant.
Coding change: c.860A>G on transcript NM_000492.4 (MANE Select); coding-DNA position 860, A replaced by G.
Protein change: p.Asn287Ser; replaces asparagine 287 with serine.
Molecular consequence: missense variant.
Genome position (GRCh38, 1-based): chr7:117,536,664, A>G. VCF-style: chr7-117536664-A-G. GRCh37 (hg19) VCF-style: chr7-117176718-A-G.
Other names: short protein forms N287S.
Identifiers: ClinVar variation 1975732 (VCV001975732.8), dbSNP rs775048504, ClinGen allele CA4450844.